The following is an entry in ClinVar:

ClinVar aggregate classification (germline): Uncertain significance (1 of 4 stars; one submission).

gnomAD v4.1: 2 of 1,613,846 alleles (0.00012%); highest among the groups gnomAD compares: Admixed American, 0.0033%; no homozygotes.

Submission:

Labcorp Genetics (formerly Invitae), Labcorp
Classification: Uncertain significance. Last evaluated: 2023-08-04. Review status: criteria provided, single submitter. Criteria: Invitae Variant Classification Sherloc (09022015). Collection method: clinical testing. Allele origin: germline.
Comment: An algorithm developed to predict the effect of missense changes on protein structure and function (PolyPhen-2) suggests that this variant is likely to be disruptive. This sequence change replaces alanine, which is neutral and non-polar, with proline, which is neutral and non-polar, at codon 349 of the LAMB1 protein (p.Ala349Pro). This variant is not present in population databases (gnomAD no frequency). This variant has not been reported in the literature in individuals affected with LAMB1-related conditions. ClinVar contains an entry for this variant (Variation ID: 1976166). In summary, the available evidence is currently insufficient to determine the role of this variant in disease. Therefore, it has been classified as a Variant of Uncertain Significance.

NM_002291.3(LAMB1):c.1045G>C (p.Ala349Pro)

Gene: LAMB1 (laminin subunit beta 1; minus strand). Cytogenetic location: 7q31.1.
Variant type: single nucleotide variant.
Coding change: c.1045G>C on transcript NM_002291.3 (MANE Select); coding-DNA position 1045, G replaced by C.
Protein change: p.Ala349Pro; replaces alanine 349 with proline.
Molecular consequence: missense variant.
Genome position (GRCh38, 1-based): chr7:107,975,833, C>G on the plus strand (G>C on the coding strand, the complement: LAMB1 is on the minus strand). VCF-style: chr7-107975833-C-G. GRCh37 (hg19) VCF-style: chr7-107616278-C-G.
Other names: short protein forms A349P.
Identifiers: ClinVar variation 1976166 (VCV001976166.5), dbSNP rs755635852, ClinGen allele CA368878210.